The following is an entry in ClinVar:

ClinVar aggregate classification (germline): Likely pathogenic (1 of 4 stars; one submission).

Conditions:
POLG-related disorder. Also called: POLG-Related Spectrum Disorders; POLG-related condition; POLG-Related Disorders. Identifiers: MedGen C4763519.

gnomAD v4.1: 1 of 1,613,970 alleles (0.000062%); highest among the groups gnomAD compares: Non-Finnish European, 0.000085%; no homozygotes.

Submission:

Myriad Genetics, Inc.
Classification: Likely pathogenic for POLG-related disorder. Last evaluated: 2025-06-03. Review status: criteria provided, single submitter. Criteria: Myriad Autosomal Dominant, Autosomal Recessive and X-Linked Classification Criteria (2023). Collection method: clinical testing. Allele origin: unknown.
Comment: NM_002693.2(POLG):c.2426+2T>G is a variant in a canonical splice site classified as likely pathogenic in the context of POLG-related disorders. c.2426+2T>G has not been observed in cases with relevant disease. Relevant functional assessments of this variant are not available in the literature. c.2426+2T>G has not been observed in referenced population frequency databases. In summary, NM_002693.2(POLG):c.2426+2T>G is a variant in a canonical splice site in a gene where loss of function is a known mechanism of disease and is predicted to disrupt protein function. Please note: this variant was assessed in the context of healthy population screening.

NM_002693.3(POLG):c.2426+2T>G

Gene: POLG (DNA polymerase gamma, catalytic subunit; minus strand). Cytogenetic location: 15q26.1.
Variant type: single nucleotide variant.
Coding change: c.2426+2T>G on transcript NM_002693.3 (MANE Select); the canonical splice donor site of the intron after coding-DNA position 2426, T replaced by G.
Molecular consequence: splice donor variant.
Genome position (GRCh38, 1-based): chr15:89,322,740, A>C on the plus strand (T>G on the coding strand, the complement: POLG is on the minus strand). VCF-style: chr15-89322740-A-C. GRCh37 (hg19) VCF-style: chr15-89865971-A-C.
Other names: c.2426+2T>G (NM_001126131.2).
Identifiers: ClinVar variation 4081846 (VCV004081846.1).